The following is an entry in ClinVar:

ClinVar aggregate classification (germline): Uncertain significance. Review status: criteria provided, multiple submitters, no conflicts (2 of 4 stars). 2 submissions from 2 submitters: Uncertain significance (2). Last evaluated 2026-04-16.

Conditions:
Cardiovascular phenotype. Identifiers: MedGen CN230736.
Alstrom syndrome (ALMS). Identifiers: Orphanet 64, MedGen C0268425, MONDO:0008763, OMIM 203800.

Allele frequency attached by ClinVar (database versions not stated): gnomAD 0.00001; TOPMed below 0.00001.

Submissions (2):

Ambry Genetics
Classification: Uncertain significance for Cardiovascular phenotype. Last evaluated: 2026-04-16. Review status: criteria provided, single submitter. Criteria: Ambry Variant Classification Scheme 2023. Collection method: clinical testing. Allele origin: germline.
Comment: The p.D74A variant (also known as c.221A>C), located in coding exon 1 of the ALMS1 gene, results from an A to C substitution at nucleotide position 221. The aspartic acid at codon 74 is replaced by alanine, an amino acid with dissimilar properties. This amino acid position is highly conserved in available vertebrate species. In addition, this alteration is predicted to be tolerated by in silico analysis. Based on the available evidence, the clinical significance of this variant remains unclear.

Labcorp Genetics (formerly Invitae), Labcorp
Classification: Uncertain significance for Alstrom syndrome. Last evaluated: 2022-09-19. Review status: criteria provided, single submitter. Criteria: Invitae Variant Classification Sherloc (09022015). Collection method: clinical testing. Allele origin: germline.
Comment: This sequence change replaces aspartic acid, which is acidic and polar, with alanine, which is neutral and non-polar, at codon 74 of the ALMS1 protein (p.Asp74Ala). This variant is present in population databases (no rsID available, gnomAD 0.003%). This variant has not been reported in the literature in individuals affected with ALMS1-related conditions. Experimental studies and prediction algorithms are not available or were not evaluated, and the functional significance of this variant is currently unknown. In summary, the available evidence is currently insufficient to determine the role of this variant in disease. Therefore, it has been classified as a Variant of Uncertain Significance.

NM_001378454.1(ALMS1):c.218A>C (p.Asp73Ala)

Gene: ALMS1 (ALMS1 centrosome and basal body associated protein; plus strand). Cytogenetic location: 2p13.1.
Variant type: single nucleotide variant.
Coding change: c.218A>C on transcript NM_001378454.1 (MANE Select); coding-DNA position 218, A replaced by C.
Protein change: p.Asp73Ala; replaces aspartic acid 73 with alanine.
Molecular consequence: missense variant.
Genome position (GRCh38, 1-based): chr2:73,386,086, A>C. VCF-style: chr2-73386086-A-C. GRCh37 (hg19) VCF-style: chr2-73613214-A-C.
Other names: c.221A>C, p.Asp74Ala (NM_015120.4); short protein forms D73A, D74A.
Identifiers: ClinVar variation 2179568 (VCV002179568.2), dbSNP rs767558791, ClinGen allele CA347250859.
Genomic context (GRCh38, chr2:73,386,086, plus strand): 5'-AGTTGGACTCCGACTCTCACTACGGGCCCCAGCATCTGGAAAGTATAGACGACGAGGAGG[A>C]CGAGGAGGCCAAGGCCTGGCTGCAGGCGCACCCCGGCAGGATTTTGCCTCCGCTGTCGCC-3'
Protein context (NP_001365383.1, residues 63-83): QHLESIDDEE[Asp73Ala]EEAKAWLQAH